The following is an entry in ClinVar:

NM_000179.3(MSH6):c.3636G>A (p.Val1212=)

Gene: MSH6 (mutS homolog 6; plus strand). Cytogenetic location: 2p16.3.
Variant type: single nucleotide variant.
Coding change: c.3636G>A on transcript NM_000179.3 (MANE Select); coding-DNA position 3636, G replaced by A.
Protein change: p.Val1212=; no amino-acid change (valine 1212 retained).
Molecular consequence: synonymous variant.
Genome position (GRCh38, 1-based): chr2:47,805,697, G>A. VCF-style: chr2-47805697-G-A. GRCh37 (hg19) VCF-style: chr2-48032836-G-A.
Other names: c.3246G>A, p.Val1082= (NM_001281492.2); c.2730G>A, p.Val910= (NM_001281493.2, NM_001281494.2).
Identifiers: ClinVar variation 824016 (VCV000824016.10), dbSNP rs1363247790, ClinGen allele CA425997303.

ClinVar aggregate classification (germline): Benign/Likely benign. Review status: criteria provided, multiple submitters, no conflicts (2 of 4 stars). 3 submissions from 3 submitters: Benign (1); Likely benign (2). Last evaluated 2025-01-07.

Conditions:
Hereditary nonpolyposis colorectal neoplasms. Identifiers: MedGen C0009405, MeSH D003123.
Hereditary cancer-predisposing syndrome. Also called: Neoplastic Syndromes, Hereditary; Tumor predisposition; Hereditary neoplastic syndrome; Hereditary Cancer Syndrome. Identifiers: Orphanet 140162, MedGen C0027672, MeSH D009386, MONDO:0015356.
Lynch syndrome 5 (LYNCH5). Also called: Colorectal cancer, hereditary nonpolyposis, type 5; Hereditary non-polyposis colorectal cancer, type 5. Identifiers: Orphanet 144, MedGen C1833477, MONDO:0013710, OMIM 614350. Disease mechanism: loss of function.

Allele frequency attached by ClinVar (database versions not stated): gnomAD exomes below 0.00001.
gnomAD v4.1: 3 of 1,607,574 alleles (0.00019%); highest among the groups gnomAD compares: Non-Finnish European, 0.00026%; no homozygotes.

Submissions (3):

Myriad Genetics, Inc.
Classification: Benign for Lynch syndrome 5. Last evaluated: 2025-01-07. Review status: criteria provided, single submitter. Criteria: Myriad Autosomal Dominant, Autosomal Recessive and X-Linked Classification Criteria (2023). Collection method: clinical testing. Allele origin: unknown.
Comment: This variant is considered benign. This variant is a silent/synonymous amino acid change and it is not expected to impact splicing.

Labcorp Genetics (formerly Invitae), Labcorp
Classification: Likely benign for Hereditary nonpolyposis colorectal neoplasms. Last evaluated: 2024-10-09. Review status: criteria provided, single submitter. Criteria: Invitae Variant Classification Sherloc (09022015). Collection method: clinical testing. Allele origin: germline.

Ambry Genetics
Classification: Likely benign for Hereditary cancer-predisposing syndrome. Last evaluated: 2019-06-26. Review status: criteria provided, single submitter. Criteria: Ambry Variant Classification Scheme 2023. Collection method: clinical testing. Allele origin: germline.